The following is an entry in ClinVar:

ClinVar aggregate classification (germline): Uncertain significance. Review status: criteria provided, multiple submitters, no conflicts (2 of 4 stars). 3 submissions from 3 submitters: Uncertain significance (2). 1 of the submissions does not count toward it. Last evaluated 2021-08-27.

Conditions:
Usher syndrome type 2A. Also called: RETINAL DISEASE IN USHER SYNDROME TYPE IIA, MODIFIER OF; USHER SYNDROME, TYPE IIA. Identifiers: Orphanet 231178, Orphanet 886, MedGen C1848634, MONDO:0010169, OMIM 276901.

Allele frequency attached by ClinVar (database versions not stated): gnomAD 0.00007.
gnomAD v4.1: 37 of 1,613,054 alleles (0.0023%); highest among the groups gnomAD compares: Non-Finnish European, 0.00025%; no homozygotes.

Submissions (3):

Labcorp Genetics (formerly Invitae), Labcorp
Classification: Uncertain significance. Last evaluated: 2021-08-27. Review status: criteria provided, single submitter. Criteria: Invitae Variant Classification Sherloc (09022015). Collection method: clinical testing. Allele origin: germline.
Comment: This sequence change replaces lysine with arginine at codon 402 of the USH2A protein (p.Lys402Arg). The lysine residue is highly conserved and there is a small physicochemical difference between lysine and arginine. This variant is present in population databases (rs768097637, ExAC 0.02%). This variant has not been reported in the literature in individuals affected with USH2A-related conditions. Algorithms developed to predict the effect of missense changes on protein structure and function output the following: SIFT: "Tolerated"; PolyPhen-2: "Possibly Damaging"; Align-GVGD: "Class C0". The arginine amino acid residue is found in multiple mammalian species, which suggests that this missense change does not adversely affect protein function. In summary, the available evidence is currently insufficient to determine the role of this variant in disease. Therefore, it has been classified as a Variant of Uncertain Significance.

Blueprint Genetics
Classification: Uncertain significance. Last evaluated: 2021-04-13. Review status: criteria provided, single submitter. Criteria: ACMG Guidelines, 2015. Collection method: clinical testing. Allele origin: germline.

Natera, Inc.
Classification: Uncertain significance for Usher syndrome type 2A. Last evaluated: 2021-06-29. Review status: no assertion criteria provided. Collection method: clinical testing. Allele origin: germline. Not counted in ClinVar's aggregate classification.

NM_206933.4(USH2A):c.1205A>G (p.Lys402Arg)

Gene: USH2A (usherin; minus strand). Cytogenetic location: 1q41.
Variant type: single nucleotide variant.
Coding change: c.1205A>G on transcript NM_206933.4 (MANE Select); coding-DNA position 1205, A replaced by G.
Protein change: p.Lys402Arg; replaces lysine 402 with arginine.
Molecular consequence: missense variant.
Genome position (GRCh38, 1-based): chr1:216,324,291, T>C on the plus strand (A>G on the coding strand, the complement: USH2A is on the minus strand). VCF-style: chr1-216324291-T-C. GRCh37 (hg19) VCF-style: chr1-216497633-T-C.
Other names: c.1205A>G, p.Lys402Arg (NM_007123.6); short protein forms K402R.
Identifiers: ClinVar variation 959881 (VCV000959881.9), dbSNP rs768097637, ClinGen allele CA1396573.